The following is an entry in ClinVar:

ClinVar aggregate classification (germline): Uncertain significance (1 of 4 stars; one submission).

Conditions:
Hereditary cancer-predisposing syndrome. Also called: Hereditary neoplastic syndrome; Tumor predisposition; Hereditary Cancer Syndrome; Neoplastic Syndromes, Hereditary. Identifiers: Orphanet 140162, MedGen C0027672, MeSH D009386, MONDO:0015356.

Submission:

Ambry Genetics
Classification: Uncertain significance for Hereditary cancer-predisposing syndrome. Last evaluated: 2023-08-31. Review status: criteria provided, single submitter. Criteria: Ambry Variant Classification Scheme 2023. Collection method: clinical testing. Allele origin: germline.
Comment: The p.N298K variant (also known as c.894T>G), located in coding exon 9 of the BRCA1 gene, results from a T to G substitution at nucleotide position 894. The asparagine at codon 298 is replaced by lysine, an amino acid with similar properties. This amino acid position is conserved. In addition, the in silico prediction for this alteration is inconclusive. Since supporting evidence is limited at this time, the clinical significance of this alteration remains unclear.

NM_007294.4(BRCA1):c.894T>G (p.Asn298Lys)

Gene: BRCA1 (BRCA1 DNA repair associated; minus strand). Cytogenetic location: 17q21.31.
Variant type: single nucleotide variant.
Coding change: c.894T>G on transcript NM_007294.4 (MANE Select); coding-DNA position 894, T replaced by G.
Protein change: p.Asn298Lys; replaces asparagine 298 with lysine.
Molecular consequence: missense variant. On other transcripts: intron variant (137).
Genome position (GRCh38, 1-based): chr17:43,094,637, A>C on the plus strand (T>G on the coding strand, the complement: BRCA1 is on the minus strand). VCF-style: chr17-43094637-A-C. GRCh37 (hg19) VCF-style: chr17-41246654-A-C.
Other names: c.681T>G, p.Asn227Lys (NM_001407571.1, NM_001407853.1, NM_001407894.1 and 9 more transcripts); c.894T>G, p.Asn298Lys (NM_001407581.1, NM_001407582.1, NM_001407583.1 and 30 more transcripts); c.891T>G, p.Asn297Lys (NM_001407587.1, NM_001407590.1, NM_001407591.1 and 22 more transcripts); c.885T>G, p.Asn295Lys (NM_001407646.1, NM_001407647.1); c.771T>G, p.Asn257Lys (NM_001407648.1, NM_001407664.1, NM_001407665.1 and 19 more transcripts); c.768T>G, p.Asn256Lys (NM_001407649.1, NM_001407670.1, NM_001407671.1 and 11 more transcripts); c.816T>G, p.Asn272Lys (NM_001407653.1, NM_001407654.1, NM_001407655.1 and 4 more transcripts); c.813T>G, p.Asn271Lys (NM_001407659.1, NM_001407660.1, NM_001407661.1 and 1 more transcripts); and 40 more; short protein forms N171K, N186K, N230K, N231K, N298K, N2K, N170K, N209K.
Identifiers: ClinVar variation 2585848 (VCV002585848.2), dbSNP rs1597879373, ClinGen allele CA10600286.